The following is an entry in ClinVar:

NM_018975.4(TERF2IP):c.617C>A (p.Ser206Tyr)

Gene: TERF2IP (TERF2 interacting protein; plus strand). Cytogenetic location: 16q23.1.
Variant type: single nucleotide variant.
Coding change: c.617C>A on transcript NM_018975.4 (MANE Select); coding-DNA position 617, C replaced by A.
Protein change: p.Ser206Tyr; replaces serine 206 with tyrosine.
Molecular consequence: missense variant. On other transcripts: non-coding transcript variant (1).
Genome position (GRCh38, 1-based): chr16:75,648,499, C>A. VCF-style: chr16-75648499-C-A. GRCh37 (hg19) VCF-style: chr16-75682397-C-A.
Other names: short protein forms S206Y.
Identifiers: ClinVar variation 1752046 (VCV001752046.8), dbSNP rs527772778, ClinGen allele CA8178021.

ClinVar aggregate classification (germline): Uncertain significance. Review status: criteria provided, multiple submitters, no conflicts (2 of 4 stars). 2 submissions from 2 submitters: Uncertain significance (2). Last evaluated 2026-01-20.

Allele frequency attached by ClinVar (database versions not stated): 1000 Genomes Project 30x 0.00016; gnomAD 0.00019; 1000 Genomes Project 0.00020.

Submissions (2):

Labcorp Genetics (formerly Invitae), Labcorp
Classification: Uncertain significance. Last evaluated: 2026-01-20. Review status: criteria provided, single submitter. Criteria: Invitae Variant Classification Sherloc (09022015). Collection method: clinical testing. Allele origin: germline.
Comment: This sequence change replaces serine, which is neutral and polar, with tyrosine, which is neutral and polar, at codon 206 of the TERF2IP protein (p.Ser206Tyr). This variant is present in population databases (rs527772778, gnomAD 0.02%). This variant has not been reported in the literature in individuals affected with TERF2IP-related conditions. ClinVar contains an entry for this variant (Variation ID: 1752046). An algorithm developed to predict the effect of missense changes on protein structure and function (PolyPhen-2) suggests that this variant is likely to be disruptive. In summary, the available evidence is currently insufficient to determine the role of this variant in disease. Therefore, it has been classified as a Variant of Uncertain Significance.

Ambry Genetics
Classification: Uncertain significance. Last evaluated: 2024-09-30. Review status: criteria provided, single submitter. Criteria: Ambry Variant Classification Scheme 2023. Collection method: clinical testing. Allele origin: germline.
Comment: The p.S206Y variant (also known as c.617C>A), located in coding exon 1 of the TERF2IP gene, results from a C to A substitution at nucleotide position 617. The serine at codon 206 is replaced by tyrosine, an amino acid with dissimilar properties. This amino acid position is conserved. In addition, this alteration is predicted to be tolerated by in silico analysis. Since supporting evidence is limited at this time, the clinical significance of this alteration remains unclear.